The following is an entry in ClinVar:

ClinVar aggregate classification (germline): Benign/Likely benign. Review status: criteria provided, multiple submitters, no conflicts (2 of 4 stars). 4 submissions from 4 submitters: Benign (1); Likely benign (3). Last evaluated 2025-08-01.

Conditions:
Familial adenomatous polyposis 1 (FAP1). Also called: POLYPOSIS, ADENOMATOUS INTESTINAL; FAMILIAL ADENOMATOUS POLYPOSIS 1, ATTENUATED. Identifiers: MedGen C2713442, MONDO:0021056, OMIM 175100. Disease mechanism: loss of function.
Hereditary cancer-predisposing syndrome. Also called: Hereditary Cancer Syndrome; Neoplastic Syndromes, Hereditary; Tumor predisposition; Hereditary neoplastic syndrome. Identifiers: Orphanet 140162, MedGen C0027672, MeSH D009386, MONDO:0015356.

Allele frequency attached by ClinVar (database versions not stated): gnomAD exomes below 0.00001.
gnomAD v4.1: 2 of 1,614,022 alleles (0.00012%); highest among the groups gnomAD compares: South Asian, 0.0011%; no homozygotes.

Submissions (4):

CeGaT Center for Human Genetics Tuebingen
Classification: Likely benign. Last evaluated: 2025-08-01. Review status: criteria provided, single submitter. Criteria: CeGaT Center For Human Genetics Tuebingen Variant Classification Criteria Version 2. Collection method: clinical testing. Allele origin: germline. Affected: yes. Observed: 1 variant allele.
Comment: APC: BP4, BP7

Myriad Genetics, Inc.
Classification: Benign for Familial adenomatous polyposis 1. Last evaluated: 2024-04-09. Review status: criteria provided, single submitter. Criteria: Myriad Autosomal Dominant, Autosomal Recessive and X-Linked Classification Criteria (2023). Collection method: clinical testing. Allele origin: unknown.
Comment: This variant is considered benign. This variant is a silent/synonymous amino acid change and it is not expected to impact splicing.

Labcorp Genetics (formerly Invitae), Labcorp
Classification: Likely benign for Familial adenomatous polyposis 1. Last evaluated: 2023-10-04. Review status: criteria provided, single submitter. Criteria: Invitae Variant Classification Sherloc (09022015). Collection method: clinical testing. Allele origin: germline.

Ambry Genetics
Classification: Likely benign for Hereditary cancer-predisposing syndrome. Last evaluated: 2019-06-07. Review status: criteria provided, single submitter. Criteria: Ambry Variant Classification Scheme 2023. Collection method: clinical testing. Allele origin: germline.

NM_000038.6(APC):c.7509A>G (p.Gly2503=)

Gene: APC (APC regulator of Wnt signaling pathway; plus strand). Cytogenetic location: 5q22.2.
Variant type: single nucleotide variant.
Coding change: c.7509A>G on transcript NM_000038.6 (MANE Select); coding-DNA position 7509, A replaced by G.
Protein change: p.Gly2503=; no amino-acid change (glycine 2503 retained).
Molecular consequence: synonymous variant.
Genome position (GRCh38, 1-based): chr5:112,843,103, A>G. VCF-style: chr5-112843103-A-G. GRCh37 (hg19) VCF-style: chr5-112178800-A-G.
Other names: c.7509A>G, p.Gly2503= (NM_001127510.3, NM_001354895.2); c.7455A>G, p.Gly2485= (NM_001127511.3); c.7563A>G, p.Gly2521= (NM_001354896.2); c.7539A>G, p.Gly2513= (NM_001354897.2); c.7434A>G, p.Gly2478= (NM_001354898.2); c.7425A>G, p.Gly2475= (NM_001354899.2); c.7386A>G, p.Gly2462= (NM_001354900.2); c.7332A>G, p.Gly2444= (NM_001354901.2); and 5 more.
Identifiers: ClinVar variation 827091 (VCV000827091.23), dbSNP rs1580683429, ClinGen allele CA446210864.